The following is an entry in ClinVar:

NM_177972.3(TUB):c.121A>C (p.Lys41Gln)

Gene: TUB (TUB bipartite transcription factor; plus strand). Cytogenetic location: 11p15.4.
Variant type: single nucleotide variant.
Coding change: c.121A>C on transcript NM_177972.3 (MANE Select); coding-DNA position 121, A replaced by C.
Protein change: p.Lys41Gln; replaces lysine 41 with glutamine.
Molecular consequence: missense variant.
Genome position (GRCh38, 1-based): chr11:8,090,099, A>C. VCF-style: chr11-8090099-A-C. GRCh37 (hg19) VCF-style: chr11-8111646-A-C.
Other names: c.286A>C, p.Lys96Gln (NM_003320.5); short protein forms K41Q, K96Q.
Identifiers: ClinVar variation 966216 (VCV000966216.10), dbSNP rs533066502, ClinGen allele CA5870967.
Genomic context (GRCh38, chr11:8,090,099, plus strand): 5'-GTGGGTCAGCCAACCTCTGTGCCTCCATAGCGGGCCCTGCTGGAGCAGAAGCAGAAGAAG[A>C]AGCGCCAGGAGCCCCTGATGGTGCAGGCCAATGCAGATGGGCGGCCCCGGAGCCGGCGGG-3'
Protein context (NP_813977.1, residues 31-51): RALLEQKQKK[Lys41Gln]RQEPLMVQAN

ClinVar aggregate classification (germline): Uncertain significance. Review status: criteria provided, multiple submitters, no conflicts (2 of 4 stars). 4 submissions from 4 submitters: Uncertain significance (4). Last evaluated 2026-07-07.

Conditions:
TUB-related disorder. Also called: TUB-related condition.

Allele frequency attached by ClinVar (database versions not stated): gnomAD exomes 0.00022; ExAC 0.00028; 1000 Genomes Project 30x 0.00031; gnomAD 0.00035 and 0.00062; 1000 Genomes Project 0.00040; TOPMed 0.00071.
gnomAD v4.1: 520 of 1,612,020 alleles (0.032%); highest among the groups gnomAD compares: Middle Eastern, 0.033%; 1 homozygote.

Submissions (4):

PreventionGenetics, part of Exact Sciences
Classification: Uncertain significance for TUB-related condition. Last evaluated: 2026-07-07. Review status: criteria provided, single submitter. Criteria: ACMG Guidelines, 2015. Collection method: clinical testing. Allele origin: germline.
Comment: The TUB c.286A>C variant is predicted to result in the amino acid substitution p.Lys96Gln. This variant has been reported in the heterozygous state in an individual with simplex retinitis pigmentosa (Xi et al. 2006. PubMed ID: 16643894); however, no segregation or functional analysis was performed. This variant is reported in 0.034% of alleles in individuals of European (Non-Finnish) descent in gnomAD v2 (as displayed in the table above). However, in gnomAD v4 (available only on GRCh38), this variant is reported in 4.82% of alleles in individuals of Amish descent, including 1 homozygote. This population data is not consistent with this variant being a primary cause of disease. Although we suspect that this variant may be benign, the clinical significance of this variant is classified as uncertain at this time due to insufficient functional and genetic evidence.

Blueprint Genetics
Classification: Uncertain significance. Last evaluated: 2024-09-03. Review status: criteria provided, single submitter. Criteria: ACMG Guidelines, 2015. Collection method: clinical testing. Allele origin: germline.

Labcorp Genetics (formerly Invitae), Labcorp
Classification: Uncertain significance. Last evaluated: 2022-10-13. Review status: criteria provided, single submitter. Criteria: Invitae Variant Classification Sherloc (09022015). Collection method: clinical testing. Allele origin: germline.
Comment: This sequence change replaces lysine, which is basic and polar, with glutamine, which is neutral and polar, at codon 96 of the TUB protein (p.Lys96Gln). This variant is present in population databases (rs533066502, gnomAD 0.03%). This variant has not been reported in the literature in individuals affected with TUB-related conditions. ClinVar contains an entry for this variant (Variation ID: 966216). Algorithms developed to predict the effect of missense changes on protein structure and function are either unavailable or do not agree on the potential impact of this missense change (SIFT: "Deleterious"; PolyPhen-2: "Probably Damaging"; Align-GVGD: "Class C0"). In summary, the available evidence is currently insufficient to determine the role of this variant in disease. Therefore, it has been classified as a Variant of Uncertain Significance.

Breakthrough Genomics
Classification: Uncertain significance. Review status: criteria provided, single submitter. Criteria: ACMG Guidelines, 2015. Collection method: not provided. Allele origin: germline. Inheritance: Autosomal recessive inheritance. Affected: yes.